The following is an entry in ClinVar:

ClinVar aggregate classification (germline): Uncertain significance (1 of 4 stars; one submission).

Submission:

Labcorp Genetics (formerly Invitae), Labcorp
Classification: Uncertain significance. Last evaluated: 2024-02-23. Review status: criteria provided, single submitter. Criteria: Invitae Variant Classification Sherloc (09022015). Collection method: clinical testing. Allele origin: germline.
Comment: This sequence change replaces arginine, which is basic and polar, with leucine, which is neutral and non-polar, at codon 253 of the SNIP1 protein (p.Arg253Leu). This variant is not present in population databases (gnomAD no frequency). This variant has not been reported in the literature in individuals affected with SNIP1-related conditions. ClinVar contains an entry for this variant (Variation ID: 1429241). Advanced modeling of protein sequence and biophysical properties (such as structural, functional, and spatial information, amino acid conservation, physicochemical variation, residue mobility, and thermodynamic stability) performed at Invitae indicates that this missense variant is expected to disrupt SNIP1 protein function with a positive predictive value of 80%. In summary, the available evidence is currently insufficient to determine the role of this variant in disease. Therefore, it has been classified as a Variant of Uncertain Significance.

NM_024700.4(SNIP1):c.758G>T (p.Arg253Leu)

Genes: SNIP1 (Smad nuclear interacting protein 1; minus strand), LOC126805704 (BRD4-independent group 4 enhancer GRCh37_chr1:38005292-38006491; plus strand). Cytogenetic location: 1p34.3.
Variant type: single nucleotide variant.
Coding change: c.758G>T on transcript NM_024700.4 (MANE Select); coding-DNA position 758, G replaced by T.
Protein change: p.Arg253Leu; replaces arginine 253 with leucine.
Molecular consequence: missense variant.
Genome position (GRCh38, 1-based): chr1:37,540,325, C>A on the plus strand (G>T on the coding strand, the complement: SNIP1 is on the minus strand). VCF-style: chr1-37540325-C-A. GRCh37 (hg19) VCF-style: chr1-38005926-C-A.
Other names: short protein forms R253L.
Identifiers: ClinVar variation 1429241 (VCV001429241.8), dbSNP rs144503529, ClinGen allele CA339449471.